The following is an entry in ClinVar:

ClinVar aggregate classification (germline): Uncertain significance (1 of 4 stars; one submission).

Allele frequency attached by ClinVar (database versions not stated): gnomAD exomes below 0.00001.
gnomAD v4.1: 1 of 1,607,468 alleles (0.000062%); highest among the groups gnomAD compares: Admixed American, 0.0017%; no homozygotes.

Submission:

Labcorp Genetics (formerly Invitae), Labcorp
Classification: Uncertain significance. Last evaluated: 2024-03-18. Review status: criteria provided, single submitter. Criteria: Invitae Variant Classification Sherloc (09022015). Collection method: clinical testing. Allele origin: germline.
Comment: This sequence change falls in intron 3 of the ACVR1 gene. It does not directly change the encoded amino acid sequence of the ACVR1 protein. It affects a nucleotide within the consensus splice site. This variant is present in population databases (no rsID available, gnomAD 0.003%). This variant has not been reported in the literature in individuals affected with ACVR1-related conditions. Variants that disrupt the consensus splice site are a relatively common cause of aberrant splicing (PMID: 17576681, 9536098). Algorithms developed to predict the effect of sequence changes on RNA splicing suggest that this variant is not likely to affect RNA splicing. In summary, the available evidence is currently insufficient to determine the role of this variant in disease. Therefore, it has been classified as a Variant of Uncertain Significance.

Literature cited by the submitters: PubMed 17576681; PubMed 9536098.

NM_001111067.4(ACVR1):c.67+4A>G

Gene: ACVR1 (activin A receptor type 1; minus strand). Cytogenetic location: 2q24.1.
Variant type: single nucleotide variant.
Coding change: c.67+4A>G on transcript NM_001111067.4 (MANE Select); 4 bases into the intron after coding-DNA position 67, A replaced by G.
Molecular consequence: intron variant.
Genome position (GRCh38, 1-based): chr2:157,799,423, T>C on the plus strand (A>G on the coding strand, the complement: ACVR1 is on the minus strand). VCF-style: chr2-157799423-T-C. GRCh37 (hg19) VCF-style: chr2-158655935-T-C.
Other names: c.67+4A>G (NM_001347665.1, NM_001347664.1, NM_001347666.1 and 3 more transcripts).
Identifiers: ClinVar variation 3003692 (VCV003003692.3), dbSNP rs1239285764, ClinGen allele CA537272567.